The following continues an entry in ClinVar:

NM_001114753.3(ENG):c.991G>A (p.Gly331Ser)

Gene: ENG. ClinVar aggregate classification (germline): Pathogenic. Pathogenic (1).

Submissions 10 to 13 of 13:

Victorian Clinical Genetics Services, Murdoch Childrens Research Institute
Classification: Pathogenic for Telangiectasia, hereditary hemorrhagic, type 1. Last evaluated: 2021-05-06. Review status: criteria provided, single submitter. Criteria: ACMG Guidelines, 2015. Collection method: clinical testing. Allele origin: germline. Inheritance: Autosomal dominant inheritance. Not counted in ClinVar's aggregate classification.
Comment: Based on the classification scheme VCGS_Germline_v1.3.3, this variant is classified as Pathogenic. Following criteria are met: 0103 - Dominant negative and loss of function are known mechanisms of disease in this gene and are associated with Hereditary Hemorrhagic Telangiectasia type 1 (MIM#187300). Loss-of-function variants have been reported, while missense variants have been demonstrated to have both loss of function and dominant negative effects on protein activity (PMID: 25312062). (I). 0107 - This gene is associated with autosomal dominant disease. (I) 0200 - Variant is predicted to result in a missense amino acid change from glycine to serine. (I) 0212 - Non-canonical splice site variant without proven consequence on splicing (no functional evidence available). This variant affects the last nucleotide of exon 7 and it was said that RT-PCR of a patient’s RNA showed splicing defect leading to exon skipping. However, data was not shown in the manuscript for independent confirmation (PMID: 16690726). (SP) 0251 - This variant is heterozygous. (I) 0301 - Variant is absent from gnomAD (both v2 and v3). (SP) 0503 - Missense variant consistently predicted to be tolerated by multiple in silico tools or not conserved in placental mammals with a minor amino acid change. (SB) 0505 - Abnormal splicing is predicted by in silico tools but affected nucleotide is moderately conserved. (I) 0604 - Variant is not located in an established domain, motif, hotspot or informative constraint region. (I) 0801 - This variant has strong previous evidence of pathogenicity in at least 10 unrelated individuals with Hereditary Hemorrhagic Telangiectasia type 1 (MIM#187300) (ClinVar; PMIDs: 15517393, 17384219, 19767588, 24196379, 25970827, 29171923). (SP) 1208 - Inheritance information for this variant is not currently available in this individual. (I) Legend: (SP) - Supporting pathogenic, (I) - Information, (SB) - Supporting benign

Fulgent Genetics
Classification: Pathogenic for Telangiectasia, hereditary hemorrhagic, type 1. Last evaluated: 2018-10-31. Review status: criteria provided, single submitter. Criteria: ACMG Guidelines, 2015. Collection method: clinical testing. Allele origin: unknown. Not counted in ClinVar's aggregate classification.

Institute of Human Genetics Munich, TUM University Hospital
Classification: Pathogenic for Telangiectasia, hereditary hemorrhagic, type 1. Last evaluated: 2018-01-25. Review status: criteria provided, single submitter. Criteria: Classification criteria August 2017. Collection method: clinical testing. Allele origin: germline. Inheritance: Autosomal dominant inheritance. Affected: yes. Observed: 1 heterozygote. Not counted in ClinVar's aggregate classification.

NIHR Bioresource Rare Diseases, University of Cambridge
Classification: Likely pathogenic for Telangiectasia, hereditary hemorrhagic, type 1. Last evaluated: 2018-01-01. Review status: criteria provided, single submitter. Criteria: ACMG Guidelines, 2015. Collection method: research. Allele origin: unknown. Affected: yes. Observed: 1 variant allele. Not counted in ClinVar's aggregate classification.
Comment: PM2+PP3+PP4+PP5

Literature cited by the submitters: PubMed 15517393 (cited by 4 submitters); PubMed 16690726 (cited by 4 submitters); PubMed 19767588 (cited by 4 submitters); PubMed 22991266 (cited by Labcorp Genetics (formerly Invitae), Labcorp and Mayo Clinic Laboratories, Mayo Clinic); PubMed 24196379 (cited by 3 submitters); PubMed 25970827 (cited by 3 submitters); PubMed 17576681 (cited by Labcorp Genetics (formerly Invitae), Labcorp); PubMed 9536098 (cited by Labcorp Genetics (formerly Invitae), Labcorp); PubMed 21158752 (cited by Mayo Clinic Laboratories, Mayo Clinic); PubMed 29171923 (cited by Mayo Clinic Laboratories, Mayo Clinic and Victorian Clinical Genetics Services, Murdoch Childrens Research Institute); PubMed 32573726 (cited by Mayo Clinic Laboratories, Mayo Clinic and NIHR Bioresource Rare Diseases, University of Cambridge); PubMed 34872578 (cited by Mayo Clinic Laboratories, Mayo Clinic); PubMed 34880085 (cited by Mayo Clinic Laboratories, Mayo Clinic); PubMed 17384219 (cited by Victorian Clinical Genetics Services, Murdoch Childrens Research Institute); PubMed 25312062 (cited by Victorian Clinical Genetics Services, Murdoch Childrens Research Institute).